The following is an entry in ClinVar:

ClinVar aggregate classification (germline): Likely pathogenic. Review status: criteria provided, multiple submitters, no conflicts (2 of 4 stars). 2 submissions from 2 submitters: Likely pathogenic (2). Last evaluated 2024-10-09.

Conditions:
Congenital myasthenic syndrome 19. Identifiers: Orphanet 590, MedGen C4225235, MONDO:0014745, OMIM 616720.

Allele frequency attached by ClinVar (database versions not stated): gnomAD exomes below 0.00001; TOPMed below 0.00001.
gnomAD v4.1: 3 of 1,614,034 alleles (0.00019%); highest among the groups gnomAD compares: Non-Finnish European, 0.00025%; no homozygotes.

Submissions (2):

Victorian Clinical Genetics Services, Murdoch Childrens Research Institute
Classification: Likely pathogenic for Congenital myasthenic syndrome 19. Last evaluated: 2024-10-09. Review status: criteria provided, single submitter. Criteria: ACMG Guidelines, 2015. Collection method: clinical testing. Allele origin: germline. Inheritance: Autosomal recessive inheritance. Affected: yes.
Comment: Based on the classification scheme VCGS_Germline_v1.3.4, this variant is classified as Likely pathogenic. Following criteria are met: 0102 - Loss of function is a known mechanism of disease in this gene and is associated with congenital myasthenic syndrome 19 (MIM#616720). (I) 0106 - This gene is associated with autosomal recessive disease. (I) 0211 - Canonical splice site variant without proven consequence on splicing (no functional evidence available). (SP) 0251 - This variant is heterozygous. (I) 0304 - Variant is present in gnomAD (v2) <0.01 for a recessive condition (1 heterozygote, 0 homozygotes). (SP) 0505 - Abnormal splicing is predicted by in silico tools and affected nucleotide is highly conserved. (SP) 0705 - No comparable canonical splice site variants have previous evidence for pathogenicity. (I) 0803 - This variant has limited previous evidence of pathogenicity in an unrelated individual. This variant has been classified as likely pathogenic by a clinical laboratory in ClinVar. (SP) 0905 - No published segregation evidence has been identified for this variant. (I) 1007 - No published functional evidence has been identified for this variant. (I) 1208 - Inheritance information for this variant is not currently available in this individual. (I) Legend: (SP) - Supporting pathogenic, (I) - Information, (SB) - Supporting benign

Labcorp Genetics (formerly Invitae), Labcorp
Classification: Likely pathogenic. Last evaluated: 2024-06-09. Review status: criteria provided, single submitter. Criteria: Invitae Variant Classification Sherloc (09022015). Collection method: clinical testing. Allele origin: germline.
Comment: This sequence change affects a donor splice site in intron 20 of the COL13A1 gene. It is expected to disrupt RNA splicing. Variants that disrupt the donor or acceptor splice site typically lead to a loss of protein function (PMID: 16199547), and loss-of-function variants in COL13A1 are known to be pathogenic (PMID: 26626625). This variant is present in population databases (no rsID available, gnomAD 0.0009%). This variant has not been reported in the literature in individuals affected with COL13A1-related conditions. ClinVar contains an entry for this variant (Variation ID: 1698998). Algorithms developed to predict the effect of sequence changes on RNA splicing suggest that this variant may disrupt the consensus splice site. In summary, the currently available evidence indicates that the variant is pathogenic, but additional data are needed to prove that conclusively. Therefore, this variant has been classified as Likely Pathogenic.

Literature cited by the submitters: PubMed 16199547 (cited by Labcorp Genetics (formerly Invitae), Labcorp); PubMed 26626625 (cited by Labcorp Genetics (formerly Invitae), Labcorp).

NM_001368882.1(COL13A1):c.1026+1G>A

Gene: COL13A1 (collagen type XIII alpha 1 chain; plus strand). Cytogenetic location: 10q22.1.
Variant type: single nucleotide variant.
Coding change: c.1026+1G>A on transcript NM_001368882.1 (MANE Select); the canonical splice donor site of the intron after coding-DNA position 1026, G replaced by A.
Molecular consequence: splice donor variant.
Genome position (GRCh38, 1-based): chr10:69,919,089, G>A. VCF-style: chr10-69919089-G-A. GRCh37 (hg19) VCF-style: chr10-71678845-G-A.
Other names: c.990+1G>A (NM_080801.4, NM_080802.4, NM_001368883.1 and 1 more transcripts); c.999+1G>A (NM_080800.4); c.426+1G>A (NM_001368886.1); c.903+1G>A (NM_080805.4); c.912+1G>A (NM_001368897.1); c.936+1G>A (NM_001368895.1); c.885+1G>A (NM_001368898.1, NM_080798.4, NM_001368896.1); c.1026+1G>A (NM_001320951.2, NM_001368884.1); and 1 more.
Identifiers: ClinVar variation 1698998 (VCV001698998.9), dbSNP rs1480562957, ClinGen allele CA376928486.
Genomic context (GRCh38, chr10:69,919,089, plus strand): 5'-GTCTCTCACATTTGTTTCTCTTTTTCCACACAGGGTGAGCCAGGGATCCCAGGAACCAAG[G>A]TACTGATGCAGAGAGAATGTTCCGGGCTGCACAGAGCATCGGTCATGGGCAGAGGTGGGA-3'